The following is an entry in ClinVar:

ClinVar aggregate classification (germline): Conflicting classifications of pathogenicity. Review status: criteria provided, conflicting classifications (1 of 4 stars). 2 submissions from 2 submitters: Uncertain significance (1); Likely benign (1). Last evaluated 2025-11-03.

Conditions:
Blau syndrome (BLAUS). Also called: GRANULOMATOSIS, FAMILIAL JUVENILE SYSTEMIC; GRANULOMATOSIS, FAMILIAL, BLAU TYPE; GRANULOMATOUS INFLAMMATORY ARTHRITIS, DERMATITIS, AND UVEITIS, FAMILIAL; JABS SYNDROME; ARTHROCUTANEOUVEAL GRANULOMATOSIS. Identifiers: Orphanet 90340, MedGen C5201146, MONDO:0008523, OMIM 186580.
Regional enteritis. Also called: Enteritis, Granulomatous. Identifiers: MedGen C0678202, MeSH D003424.

Allele frequency attached by ClinVar (database versions not stated): TOPMed below 0.00001.

Submissions (2):

Labcorp Genetics (formerly Invitae), Labcorp
Classification: Uncertain significance for Regional enteritis; Blau syndrome. Last evaluated: 2025-11-03. Review status: criteria provided, single submitter. Criteria: Invitae Variant Classification Sherloc (09022015). Collection method: clinical testing. Allele origin: germline.
Comment: This sequence change replaces valine, which is neutral and non-polar, with isoleucine, which is neutral and non-polar, at codon 1028 of the NOD2 protein (p.Val1028Ile). This variant is not present in population databases (gnomAD no frequency). This variant has not been reported in the literature in individuals affected with NOD2-related conditions. ClinVar contains an entry for this variant (Variation ID: 967230). Invitae Evidence Modeling of protein sequence and biophysical properties (such as structural, functional, and spatial information, amino acid conservation, physicochemical variation, residue mobility, and thermodynamic stability) indicates that this missense variant is not expected to disrupt NOD2 protein function with a negative predictive value of 95%. In summary, the available evidence is currently insufficient to determine the role of this variant in disease. Therefore, it has been classified as a Variant of Uncertain Significance.

Blueprint Genetics
Classification: Likely benign. Last evaluated: 2023-03-10. Review status: criteria provided, single submitter. Criteria: ACMG Guidelines, 2015. Collection method: clinical testing. Allele origin: germline.

NM_001370466.1(NOD2):c.3001G>A (p.Val1001Ile)

Genes: CYLD-AS1 (CYLD antisense RNA 1; minus strand), NOD2 (nucleotide binding oligomerization domain containing 2; plus strand). Cytogenetic location: 16q12.1.
Variant type: single nucleotide variant.
Coding change: c.3001G>A on transcript NM_001370466.1 (MANE Select); coding-DNA position 3001, G replaced by A.
Protein change: p.Val1001Ile; replaces valine 1001 with isoleucine.
Molecular consequence: missense variant. On other transcripts: non-coding transcript variant (1).
Genome position (GRCh38, 1-based): chr16:50,731,778, G>A. VCF-style: chr16-50731778-G-A. GRCh37 (hg19) VCF-style: chr16-50765689-G-A.
Other names: c.3001G>A, p.Val1001Ile (NM_001293557.2); c.3082G>A, p.Val1028Ile (NM_022162.3); short protein forms V1001I, V1028I.
Identifiers: ClinVar variation 967230 (VCV000967230.11), dbSNP rs1340958111, ClinGen allele CA395877071.
Genomic context (GRCh38, chr16:50,731,778, plus strand): 5'-CAAACCTCTGTTCACTTGATCTGCTTTAGGCTCCGAGGGAACACTTTCTCTCTAGAGGAG[G>A]TTGACAAGCTCGGCTGCAGGGACACCAGACTCTTGCTTTGAAGTCTCCGGGAGGATGTTC-3'
Protein context (NP_001357395.1, residues 991-1011): LRGNTFSLEE[Val1001Ile]DKLGCRDTRL